The following is an entry in ClinVar:

NM_004281.4(BAG3):c.751dup (p.Gln251fs)

Gene: BAG3 (BAG cochaperone 3; plus strand). Cytogenetic location: 10q26.11.
Variant type: Duplication.
Coding change: c.751dup on transcript NM_004281.4 (MANE Select); coding-DNA position 751, one base duplicated (C; older notation c.751dupC).
Protein change: p.Gln251fs; shifts the reading frame from glutamine 251.
Molecular consequence: frameshift variant.
Genome position (GRCh38, 1-based): chr10:119,672,498, C duplicated; the last of 2 consecutive C bases (chr10:119,672,497-119,672,498); duplicating either gives the same sequence. VCF-style (leftmost placement, unchanged base first): chr10-119672496-T-TC. GRCh37 (hg19) VCF-style: chr10-121432008-T-TC.
Other names: c.751dupC (NM_004281.3); short protein forms Q251fs.
Identifiers: ClinVar variation 1805113 (VCV001805113.2), dbSNP rs1847165958, ClinGen allele CA2573050690.

ClinVar aggregate classification (germline): Pathogenic (1 of 4 stars; one submission).

Conditions:
Dilated cardiomyopathy 1HH (CMD1HH). Identifiers: Orphanet 154, MedGen C3151293, MONDO:0013479, OMIM 613881.

Submission:

Victorian Clinical Genetics Services, Murdoch Childrens Research Institute
Classification: Pathogenic for Dilated cardiomyopathy 1HH. Last evaluated: 2024-10-08. Review status: criteria provided, single submitter. Criteria: ACMG Guidelines, 2015. Collection method: clinical testing. Allele origin: germline. Inheritance: Autosomal dominant inheritance. Affected: yes.
Comment: Based on the classification scheme VCGS_Germline_v1.3.4, this variant is classified as Pathogenic. Following criteria are met: 0103 - Loss of function and gain of function are known mechanisms of disease in this gene and are associated with dilated cardiomyopathy, 1HH (DCM; MIM#613881) and myofibrillar myopathy, 6 (MIM#612954). Missense variants with a gain of function effect have been reported in individuals with myopathy, whereas missense variants with a loss of function effect and variants resulting in a premature termination codon, have been reported in individuals with DCM (OMIM, PMID: 30442290). (I) 0107 - This gene is associated with autosomal dominant disease. (I) 0201 - Variant is predicted to cause nonsense-mediated decay (NMD) and loss of protein (premature termination codon is located at least 54 nucleotides upstream of the final exon-exon junction). (SP) 0251 - This variant is heterozygous. (I) 0301 - Variant is absent from gnomAD (both v2 and v3). (SP) 0701 - Other NMD-predicted variants comparable to the one identified in this case have very strong previous evidence for pathogenicity. These variants have been reported in many individuals with dilated cardiomyopathy (DECIPHER, PMID: 30442290). (SP) 0807 - This variant has no previous evidence of pathogenicity. (I) 0905 - No published segregation evidence has been identified for this variant. (I) 1007 - No published functional evidence has been identified for this variant. (I) 1208 - Inheritance information for this variant is not currently available in this individual. (I) Legend: (SP) - Supporting pathogenic, (I) - Information, (SB) - Supporting benign

Literature cited by the submitters: PubMed 30442290.